The following is an entry in ClinVar:

NM_003823.4(TNFRSF6B):c.532G>C (p.Gly178Arg)

Genes: RTEL1-TNFRSF6B (RTEL1-TNFRSF6B readthrough (NMD candidate); plus strand), TNFRSF6B (TNF receptor superfamily member 6b; plus strand). Cytogenetic location: 20q13.33.
Variant type: single nucleotide variant.
Coding change: c.532G>C on transcript NM_003823.4 (MANE Select); coding-DNA position 532, G replaced by C.
Protein change: p.Gly178Arg; replaces glycine 178 with arginine.
Molecular consequence: missense variant. On other transcripts: non-coding transcript variant (1).
Genome position (GRCh38, 1-based): chr20:63,697,435, G>C. VCF-style: chr20-63697435-G-C. GRCh37 (hg19) VCF-style: chr20-62328788-G-C.
Other names: c.532G>C (NM_003823.3); short protein forms G178R.
Identifiers: ClinVar variation 2984727 (VCV002984727.4), dbSNP rs753081163, ClinGen allele CA9966497.

ClinVar aggregate classification (germline): Uncertain significance. Review status: criteria provided, multiple submitters, no conflicts (2 of 4 stars). 2 submissions from 2 submitters: Uncertain significance (2). Last evaluated 2025-09-30.

Allele frequency attached by ClinVar (database versions not stated): ExAC 0.00001; gnomAD 0.00001.

Submissions (2):

Labcorp Genetics (formerly Invitae), Labcorp
Classification: Uncertain significance. Last evaluated: 2025-09-30. Review status: criteria provided, single submitter. Criteria: Invitae Variant Classification Sherloc (09022015). Collection method: clinical testing. Allele origin: germline.
Comment: This sequence change replaces glycine, which is neutral and non-polar, with arginine, which is basic and polar, at codon 178 of the TNFRSF6B protein (p.Gly178Arg). This variant is present in population databases (rs753081163, gnomAD 0.001%). This variant has not been reported in the literature in individuals affected with TNFRSF6B-related conditions. ClinVar contains an entry for this variant (Variation ID: 2984727). An algorithm developed to predict the effect of missense changes on protein structure and function (PolyPhen-2) suggests that this variant is likely to be disruptive. In summary, the available evidence is currently insufficient to determine the role of this variant in disease. Therefore, it has been classified as a Variant of Uncertain Significance.

Ambry Genetics
Classification: Uncertain significance. Last evaluated: 2024-11-07. Review status: criteria provided, single submitter. Criteria: Ambry Variant Classification Scheme 2023. Collection method: clinical testing. Allele origin: germline.